The following is an entry in ClinVar:

NM_001005273.3(CHD3):c.5341A>C (p.Asn1781His)

Gene: CHD3 (chromodomain helicase DNA binding protein 3; plus strand). Cytogenetic location: 17p13.1.
Variant type: single nucleotide variant.
Coding change: c.5341A>C on transcript NM_001005273.3 (MANE Select); coding-DNA position 5341, A replaced by C.
Protein change: p.Asn1781His; replaces asparagine 1781 with histidine.
Molecular consequence: missense variant.
Genome position (GRCh38, 1-based): chr17:7,908,776, A>C. VCF-style: chr17-7908776-A-C. GRCh37 (hg19) VCF-style: chr17-7812094-A-C.
Other names: c.5518A>C, p.Asn1840His (NM_001005271.3); c.5239A>C, p.Asn1747His (NM_005852.4); short protein forms N1747H, N1781H, N1840H.
Identifiers: ClinVar variation 3370101 (VCV003370101.1).

ClinVar aggregate classification (germline): Uncertain significance (1 of 4 stars; one submission).

Submission:

GeneDx
Classification: Uncertain significance. Last evaluated: 2023-12-19. Review status: criteria provided, single submitter. Criteria: GeneDx Variant Classification Process June 2021. Collection method: clinical testing. Allele origin: germline. Affected: yes.
Comment: Not observed at significant frequency in large population cohorts (gnomAD); In silico analysis supports that this missense variant does not alter protein structure/function; Has not been previously published as pathogenic or benign to our knowledge